The following is an entry in ClinVar:

NM_000018.4(ACADVL):c.644G>A (p.Cys215Tyr)

Gene: ACADVL (acyl-CoA dehydrogenase very long chain; plus strand). Cytogenetic location: 17p13.1.
Variant type: single nucleotide variant.
Coding change: c.644G>A on transcript NM_000018.4 (MANE Select); coding-DNA position 644, G replaced by A.
Protein change: p.Cys215Tyr; replaces cysteine 215 with tyrosine.
Molecular consequence: missense variant.
Genome position (GRCh38, 1-based): chr17:7,221,973, G>A. VCF-style: chr17-7221973-G-A. GRCh37 (hg19) VCF-style: chr17-7125292-G-A.
Other names: c.578G>A, p.Cys193Tyr (NM_001033859.3); c.713G>A, p.Cys238Tyr (NM_001270447.2); c.416G>A, p.Cys139Tyr (NM_001270448.2); short protein forms C238Y, C139Y, C193Y, C215Y.
Identifiers: ClinVar variation 1993954 (VCV001993954.3), dbSNP rs761405004, ClinGen allele CA397723378.

ClinVar aggregate classification (germline): Uncertain significance. Review status: criteria provided, multiple submitters, no conflicts (2 of 4 stars). 2 submissions from 2 submitters: Uncertain significance (2). Last evaluated 2024-05-22.

Conditions:
Very long chain acyl-CoA dehydrogenase deficiency (ACADVLD). Also called: Very Long-Chain Acyl-Coenzyme A Dehydrogenase Deficiency; VLCAD Deficiency. Identifiers: Orphanet 26793, MedGen C3887523, MONDO:0008723, OMIM 201475.

Submissions (2):

ARUP Laboratories, Molecular Genetics and Genomics, ARUP Laboratories
Classification: Uncertain significance for Very long chain acyl-CoA dehydrogenase deficiency. Last evaluated: 2024-05-22. Review status: criteria provided, single submitter. Criteria: ARUP Molecular Germline Variant Investigation Process 2024. Collection method: clinical testing. Allele origin: germline.
Comment: The ACADVL c.644G>A; p.Cys215Tyr variant, to our knowledge, is not reported in the medical literature but is reported in ClinVar (Variation ID: 1993954). This variant is also absent from the Genome Aggregation Database (v2.1.1), indicating it is not a common polymorphism. Computational analyses predict that this variant is deleterious (REVEL: 0.974). However, given the lack of clinical and functional data, the significance of this variant is uncertain at this time.

Labcorp Genetics (formerly Invitae), Labcorp
Classification: Uncertain significance for Very long chain acyl-CoA dehydrogenase deficiency. Last evaluated: 2022-05-13. Review status: criteria provided, single submitter. Criteria: Invitae Variant Classification Sherloc (09022015). Collection method: clinical testing. Allele origin: germline.
Comment: This sequence change replaces cysteine, which is neutral and slightly polar, with tyrosine, which is neutral and polar, at codon 215 of the ACADVL protein (p.Cys215Tyr). This variant is not present in population databases (gnomAD no frequency). This variant has not been reported in the literature in individuals affected with ACADVL-related conditions. Advanced modeling of protein sequence and biophysical properties (such as structural, functional, and spatial information, amino acid conservation, physicochemical variation, residue mobility, and thermodynamic stability) performed at Invitae indicates that this missense variant is expected to disrupt ACADVL protein function. In summary, the available evidence is currently insufficient to determine the role of this variant in disease. Therefore, it has been classified as a Variant of Uncertain Significance.